The following is an entry in ClinVar:

ClinVar aggregate classification (germline): Uncertain significance (1 of 4 stars; one submission).

Submission:

GeneDx
Classification: Uncertain significance. Last evaluated: 2025-07-19. Review status: criteria provided, single submitter. Criteria: GeneDx Variant Classification Process June 2021. Collection method: clinical testing. Allele origin: germline. Affected: yes.
Comment: Not observed at significant frequency in large population cohorts (gnomAD); In silico analysis suggests that this missense variant does not alter protein structure/function; Has not been previously published as pathogenic or benign to our knowledge

NM_016604.4(KDM3B):c.632A>G (p.Glu211Gly)

Gene: KDM3B (lysine demethylase 3B; plus strand). Cytogenetic location: 5q31.2.
Variant type: single nucleotide variant.
Coding change: c.632A>G on transcript NM_016604.4 (MANE Select); coding-DNA position 632, A replaced by G.
Protein change: p.Glu211Gly; replaces glutamic acid 211 with glycine.
Molecular consequence: missense variant.
Genome position (GRCh38, 1-based): chr5:138,379,635, A>G. VCF-style: chr5-138379635-A-G. GRCh37 (hg19) VCF-style: chr5-137715324-A-G.
Other names: short protein forms E211G.
Identifiers: ClinVar variation 4686844 (VCV004686844.1).